The following is an entry in ClinVar:

ClinVar aggregate classification (germline): Uncertain significance (1 of 4 stars; one submission).

Allele frequency attached by ClinVar (database versions not stated): gnomAD exomes below 0.00001.
gnomAD v4.1: 1 of 1,614,096 alleles (0.000062%); highest among the groups gnomAD compares: Non-Finnish European, 0.000085%; no homozygotes.

Submission:

Labcorp Genetics (formerly Invitae), Labcorp
Classification: Uncertain significance. Last evaluated: 2023-02-05. Review status: criteria provided, single submitter. Criteria: Invitae Variant Classification Sherloc (09022015). Collection method: clinical testing. Allele origin: germline.
Comment: In summary, the available evidence is currently insufficient to determine the role of this variant in disease. Therefore, it has been classified as a Variant of Uncertain Significance. Advanced modeling of protein sequence and biophysical properties (such as structural, functional, and spatial information, amino acid conservation, physicochemical variation, residue mobility, and thermodynamic stability) performed at Invitae indicates that this missense variant is not expected to disrupt POLR1A protein function. This variant has not been reported in the literature in individuals affected with POLR1A-related conditions. This variant is not present in population databases (gnomAD no frequency). This sequence change replaces glutamine, which is neutral and polar, with arginine, which is basic and polar, at codon 347 of the POLR1A protein (p.Gln347Arg).

NM_015425.6(POLR1A):c.1040A>G (p.Gln347Arg)

Gene: POLR1A (RNA polymerase I subunit A; minus strand). Cytogenetic location: 2p11.2.
Variant type: single nucleotide variant.
Coding change: c.1040A>G on transcript NM_015425.6 (MANE Select); coding-DNA position 1040, A replaced by G.
Protein change: p.Gln347Arg; replaces glutamine 347 with arginine.
Molecular consequence: missense variant.
Genome position (GRCh38, 1-based): chr2:86,080,862, T>C on the plus strand (A>G on the coding strand, the complement: POLR1A is on the minus strand). VCF-style: chr2-86080862-T-C. GRCh37 (hg19) VCF-style: chr2-86307985-T-C.
Other names: short protein forms Q347R.
Identifiers: ClinVar variation 2834883 (VCV002834883.3), dbSNP rs2466451774, ClinGen allele CA347553258.